The following is an entry in ClinVar:

ClinVar aggregate classification (germline): Uncertain significance (1 of 4 stars; one submission).

gnomAD v4.1: 45 of 1,613,626 alleles (0.0028%); highest among the groups gnomAD compares: Non-Finnish European, 0.0037%; no homozygotes.

Submission:

Labcorp Genetics (formerly Invitae), Labcorp
Classification: Uncertain significance. Last evaluated: 2025-10-31. Review status: criteria provided, single submitter. Criteria: Invitae Variant Classification Sherloc (09022015). Collection method: clinical testing. Allele origin: germline.
Comment: This sequence change replaces isoleucine, which is neutral and non-polar, with threonine, which is neutral and polar, at codon 50 of the SLC51B protein (p.Ile50Thr). This variant is present in population databases (rs140434847, gnomAD 0.0009%). This variant has not been reported in the literature in individuals affected with SLC51B-related conditions. An algorithm developed to predict the effect of missense changes on protein structure and function outputs the following: PolyPhen-2: "Possibly Damaging". The threonine amino acid residue is found in multiple mammalian species, which suggests that this missense change does not adversely affect protein function. In summary, the available evidence is currently insufficient to determine the role of this variant in disease. Therefore, it has been classified as a Variant of Uncertain Significance.

NM_178859.4(SLC51B):c.149T>C (p.Ile50Thr)

Genes: RASL12 (RAS like family 12; minus strand), SLC51B (SLC51 subunit beta; plus strand). Cytogenetic location: 15q22.31.
Variant type: single nucleotide variant.
Coding change: c.149T>C on transcript NM_178859.4 (MANE Select); coding-DNA position 149, T replaced by C.
Protein change: p.Ile50Thr; replaces isoleucine 50 with threonine.
Molecular consequence: missense variant.
Genome position (GRCh38, 1-based): chr15:65,051,566, T>C. VCF-style: chr15-65051566-T-C. GRCh37 (hg19) VCF-style: chr15-65343904-T-C.
Other names: short protein forms I50T.
Identifiers: ClinVar variation 4761907 (VCV004761907.1).